The following is an entry in ClinVar:

ClinVar aggregate classification (germline): Benign. Review status: criteria provided, multiple submitters, no conflicts (2 of 4 stars). 7 submissions from 7 submitters: Benign (5). 2 of the submissions do not count toward it. Last evaluated 2024-11-28.

Conditions:
Bardet-Biedl syndrome 4 (BBS4). Identifiers: Orphanet 110, MedGen C2936864, MONDO:0014433, OMIM 615982.

Allele frequency attached by ClinVar (database versions not stated): 1000 Genomes Project 0.03754; 1000 Genomes Project 30x 0.03857; ESP Exome Variant Server 0.05748; TOPMed 0.05878; gnomAD 0.06651 and 0.06844; ExAC 0.08394.
gnomAD v4.1: 116,560 of 1,558,082 alleles (7.5%); highest among the groups gnomAD compares: Middle Eastern, 8.7%; 5,064 homozygotes.

Submissions (7):

Blueprint Genetics
Classification: Benign. Last evaluated: 2024-11-28. Review status: criteria provided, single submitter. Criteria: ACMG Guidelines, 2015. Collection method: clinical testing. Allele origin: germline.

Illumina Laboratory Services, Illumina
Classification: Benign for Bardet-Biedl syndrome 4. Last evaluated: 2018-01-13. Review status: criteria provided, single submitter. Criteria: ICSL Variant Classification Criteria 13 December 2019. Collection method: clinical testing. Allele origin: germline.
Comment: This variant was observed in the ICSL laboratory as part of a predisposition screen in an ostensibly healthy population. It had not been previously curated by ICSL or reported in the Human Gene Mutation Database (HGMD: prior to June 1st, 2018), and was therefore a candidate for classification through an automated scoring system. Utilizing variant allele frequency, disease prevalence and penetrance estimates, and inheritance mode, an automated score was calculated to assess if this variant is too frequent to cause the disease. Based on the score and internal cut-off values, a variant classified as benign is not then subjected to further curation. The score for this variant resulted in a classification of benign for this disease.

Eurofins Ntd Llc (ga)
Classification: Benign. Last evaluated: 2015-05-12. Review status: criteria provided, single submitter. Criteria: EGL Classification Definitions 2015. Collection method: clinical testing. Allele origin: germline. Observed: 1 variant allele, 1 heterozygote.

Breakthrough Genomics
Classification: Benign. Review status: criteria provided, single submitter. Criteria: ACMG Guidelines, 2015. Collection method: not provided. Allele origin: germline. Inheritance: Autosomal recessive inheritance. Affected: yes.

PreventionGenetics, part of Exact Sciences
Classification: Benign. Review status: criteria provided, single submitter. Criteria: ACMG Guidelines, 2015. Collection method: clinical testing. Allele origin: germline.

Clinical Genetics DNA and cytogenetics Diagnostics Lab, Erasmus MC, Erasmus Medical Center
Classification: Benign. Review status: no assertion criteria provided. Collection method: clinical testing. Allele origin: germline. Affected: yes. Study: VKGL Data-share Consensus. Not counted in ClinVar's aggregate classification.

Joint Genome Diagnostic Labs from Nijmegen and Maastricht, Radboudumc and MUMC+
Classification: Benign. Review status: no assertion criteria provided. Collection method: clinical testing. Allele origin: germline. Affected: yes. Study: VKGL Data-share Consensus. Not counted in ClinVar's aggregate classification.

NM_033028.5(BBS4):c.-17C>T

Gene: BBS4 (Bardet-Biedl syndrome 4; plus strand). Cytogenetic location: 15q24.1.
Variant type: single nucleotide variant.
Coding change: c.-17C>T on transcript NM_033028.5 (MANE Select); 17 bases upstream of the start codon, C replaced by T.
Molecular consequence: 5 prime UTR variant. On other transcripts: non-coding transcript variant (2).
Genome position (GRCh38, 1-based): chr15:72,686,211, C>T. VCF-style: chr15-72686211-C-T. GRCh37 (hg19) VCF-style: chr15-72978552-C-T.
Other names: c.-486C>T (NM_001252678.2); c.-17C>T (NM_001320665.2).
Identifiers: ClinVar variation 193472 (VCV000193472.15), dbSNP rs56368716, ClinGen allele CA200605.